The following is an entry in ClinVar:

ClinVar aggregate classification (germline): Uncertain significance. Review status: criteria provided, multiple submitters, no conflicts (2 of 4 stars). 7 submissions from 7 submitters: Uncertain significance (7). Last evaluated 2026-06-12.

Conditions:
Cardiovascular phenotype. Identifiers: MedGen CN230736.
Dilated cardiomyopathy 1G (CMD1G). Identifiers: Orphanet 154, MedGen C1858763, MONDO:0011400, OMIM 604145.
Hypertrophic cardiomyopathy 9. Also called: Familial hypertrophic cardiomyopathy 9. Identifiers: MedGen C1861065, MONDO:0013412, OMIM 613765.
Autosomal recessive limb-girdle muscular dystrophy type 2J (LGMDR10). Also called: MUSCULAR DYSTROPHY, LIMB-GIRDLE, AUTOSOMAL RECESSIVE 10; Limb-girdle muscular dystrophy, type 2J. Identifiers: Orphanet 140922, MedGen C1837342, MONDO:0012127, OMIM 608807.
Tibial muscular dystrophy (TMD). Also called: Udd Distal Myopathy – Tibial Muscular Dystrophy; UDD MYOPATHY; Tibial muscular dystrophy, tardive. Identifiers: Orphanet 609, MedGen C1838244, MONDO:0010870, OMIM 600334.
Early-onset myopathy with fatal cardiomyopathy (CMYO5). Also called: CONGENITAL MYOPATHY 5 WITH CARDIOMYOPATHY; Salih Myopathy. Identifiers: Orphanet 289377, MedGen C2673677, MONDO:0012714, OMIM 611705. Disease mechanism: loss of function.
Myopathy, myofibrillar, 9, with early respiratory failure (MFM9). Also called: Myopathy, distal, with early respiratory failure, autosomal dominant; EDSTROM MYOPATHY; MYOPATHY, PROXIMAL, WITH EARLY RESPIRATORY MUSCLE INVOLVEMENT; Hereditary myopathy with early respiratory failure. Identifiers: Orphanet 178464, Orphanet 34521, MedGen C1863599, MONDO:0011362, OMIM 603689.

Submissions (7):

Women's Health and Genetics/Laboratory Corporation of America, LabCorp
Classification: Uncertain significance. Last evaluated: 2026-06-12. Review status: criteria provided, single submitter. Criteria: LabCorp Variant Classification Summary - May 2015. Collection method: clinical testing. Allele origin: germline.
Comment: Variant summary: TTN c.96234_96241delinsCTCTTGGG (p.Tyr32079_Arg32081delinsSerTrpGly) results in an in-frame deletion-insertion that is predicted to delete/insert three amino acids from the protein and also cause changes in three amino acids. The variant was absent in 280490 control chromosomes (gnomAD). The available data on variant occurrences in the general population are insufficient to allow any conclusion about variant significance. To our knowledge, no occurrence of c.96234_96241delinsCTCTTGGG in individuals affected with TTN-related conditions and no experimental evidence demonstrating its impact on protein function have been reported. ClinVar contains an entry for this variant (Variation ID: 969245). Based on the evidence outlined above, the variant was classified as uncertain significance.

Molecular Diagnostic Laboratory for Inherited Cardiovascular Disease, Montreal Heart Institute
Classification: Uncertain significance for Cardiovascular phenotype. Last evaluated: 2026-03-27. Review status: criteria provided, single submitter. Criteria: ACMG Guidelines, 2015. Collection method: clinical testing. Allele origin: germline. Affected: yes.

GeneDx
Classification: Uncertain significance. Last evaluated: 2025-07-24. Review status: criteria provided, single submitter. Criteria: GeneDx Variant Classification Process June 2021. Collection method: clinical testing. Allele origin: germline. Affected: yes.
Comment: In silico analysis supports a deleterious effect on protein structure/function; Has not been previously published as pathogenic or benign to our knowledge

Revvity Omics, Revvity
Classification: Uncertain significance. Last evaluated: 2025-06-09. Review status: criteria provided, single submitter. Criteria: ACMG Guidelines, 2015. Collection method: clinical testing. Allele origin: germline.

Ambry Genetics
Classification: Uncertain significance for Cardiovascular phenotype. Last evaluated: 2025-05-13. Review status: criteria provided, single submitter. Criteria: Ambry Variant Classification Scheme 2023. Collection method: clinical testing. Allele origin: germline.
Comment: The c.76743_76750delTTACTACCinsCTCTTGGG variant (also known as p.Y25582_R25584delinsSWG), located in coding exon 185 of the TTN gene, results from an in-frame deletion of TTACTACC and insertion of CTCTTGGG at nucleotide positions 76743 to 76750. This results in the substitution of the tyrosine, tyrosine and arginine residues for serine, tryptophan and glycine residues at codons 25582 to 25584. These amino acid positions are well conserved in available vertebrate species. In addition, this alteration is predicted to be deleterious by in silico analysis (Choi Y et al. PLoS ONE. 2012; 7(10):e46688). Since supporting evidence is limited at this time, the clinical significance of this alteration remains unclear.

CeGaT Center for Human Genetics Tuebingen
Classification: Uncertain significance. Last evaluated: 2025-05-01. Review status: criteria provided, single submitter. Criteria: CeGaT Center For Human Genetics Tuebingen Variant Classification Criteria Version 2. Collection method: clinical testing. Allele origin: germline. Affected: yes. Observed: 1 variant allele.
Comment: TTN: PM2

Fulgent Genetics
Classification: Uncertain significance for Tibial muscular dystrophy; Myopathy, myofibrillar, 9, with early respiratory failure; Dilated cardiomyopathy 1G; Autosomal recessive limb-girdle muscular dystrophy type 2J; Early-onset myopathy with fatal cardiomyopathy; Hypertrophic cardiomyopathy 9. Last evaluated: 2022-02-15. Review status: criteria provided, single submitter. Criteria: ACMG Guidelines, 2015. Collection method: clinical testing. Allele origin: unknown.

NM_001267550.2(TTN):c.103938_103945delinsCTCTTGGG (p.Tyr34647_Arg34649delinsSerTrpGly)

Genes: TTN (titin; minus strand), TTN-AS1 (TTN antisense RNA 1; plus strand). Cytogenetic location: 2q31.2.
Variant type: Indel.
Coding change: c.103938_103945delinsCTCTTGGG on transcript NM_001267550.2 (MANE Select); coding-DNA positions 103938 to 103945, TTACTACC replaced by CTCTTGGG.
Protein change: p.Tyr34647_Arg34649delinsSerTrpGly.
Molecular consequence: missense variant.
Genome position (GRCh38, 1-based): chr2:178,532,670-178,532,677, GGTAGTAA replaced by CCCAAGAG on the plus strand (TTACTACC replaced by CTCTTGGG on the coding strand, the reverse complement: TTN is on the minus strand). VCF-style: chr2-178532670-GGTAGTAA-CCCAAGAG. GRCh37 (hg19) VCF-style: chr2-179397397-GGTAGTAA-CCCAAGAG.
Other names: c.76743_76750delTTACTACCinsCTCTTGGG (NM_003319.4); c.103938_103945delinsCTCTTGGG (NM_001267550.1); c.99015_99022delinsCTCTTGGG, p.Tyr33006_Arg33008delinsSerTrpGly (NM_001256850.1); c.76743_76750delinsCTCTTGGG, p.Tyr25582_Arg25584delinsSerTrpGly (NM_003319.4); c.96234_96241delinsCTCTTGGG, p.Tyr32079_Arg32081delinsSerTrpGly (NM_133378.4); c.77118_77125delinsCTCTTGGG, p.Tyr25707_Arg25709delinsSerTrpGly (NM_133432.3); c.77319_77326delinsCTCTTGGG, p.Tyr25774_Arg25776delinsSerTrpGly (NM_133437.4).
Identifiers: ClinVar variation 969245 (VCV000969245.22), dbSNP rs1689696229, ClinGen allele CA1139657382.